The following is an entry in ClinVar:

ClinVar aggregate classification (germline): Uncertain significance (1 of 4 stars; one submission).

Conditions:
CREBBP-related disorder. Also called: CREBBP-related condition; CREBBP-related disorders.

Submission:

PreventionGenetics, part of Exact Sciences
Classification: Uncertain significance for CREBBP-related condition. Last evaluated: 2025-08-13. Review status: criteria provided, single submitter. Criteria: ACMG Guidelines, 2015. Collection method: clinical testing. Allele origin: germline.
Comment: The CREBBP c.3500A>T variant is predicted to result in the amino acid substitution p.Tyr1167Phe. To our knowledge, this variant has not been reported in the literature or in a large population database (gnomAD), indicating this variant is rare. At this time, the clinical significance of this variant is uncertain due to the absence of conclusive functional and genetic evidence.

NM_004380.3(CREBBP):c.3500A>T (p.Tyr1167Phe)

Gene: CREBBP (CREB binding lysine acetyltransferase; minus strand). Cytogenetic location: 16p13.3.
Variant type: single nucleotide variant.
Coding change: c.3500A>T on transcript NM_004380.3 (MANE Select); coding-DNA position 3500, A replaced by T.
Protein change: p.Tyr1167Phe; replaces tyrosine 1167 with phenylalanine.
Molecular consequence: missense variant.
Genome position (GRCh38, 1-based): chr16:3,757,918, T>A on the plus strand (A>T on the coding strand, the complement: CREBBP is on the minus strand). VCF-style: chr16-3757918-T-A. GRCh37 (hg19) VCF-style: chr16-3807919-T-A.
Other names: c.3386A>T, p.Tyr1129Phe (NM_001079846.1); short protein forms Y1129F, Y1167F.
Identifiers: ClinVar variation 4991398 (VCV004991398.1).